The following is an entry in ClinVar:

NM_001282531.3(ADNP):c.2077A>G (p.Thr693Ala)

Gene: ADNP (activity dependent neuroprotector homeobox; minus strand). Cytogenetic location: 20q13.13.
Variant type: single nucleotide variant.
Coding change: c.2077A>G on transcript NM_001282531.3 (MANE Select); coding-DNA position 2077, A replaced by G.
Protein change: p.Thr693Ala; replaces threonine 693 with alanine.
Molecular consequence: missense variant.
Genome position (GRCh38, 1-based): chr20:50,892,637, T>C on the plus strand (A>G on the coding strand, the complement: ADNP is on the minus strand). VCF-style: chr20-50892637-T-C. GRCh37 (hg19) VCF-style: chr20-49509174-T-C.
Other names: c.2077A>G, p.Thr693Ala (NM_001282532.2, NM_001347511.2, NM_015339.5 and 1 more transcripts); short protein forms T693A.
Identifiers: ClinVar variation 1805995 (VCV001805995.1), dbSNP rs2515581069, ClinGen allele CA408971243.
Genomic context (GRCh38, chr20:50,892,637, plus strand): 5'-CCAGACTTGGAGACTGATTAAGCCGAGAGGGTGCATTTGTCTTATCCTGGCCATTTTGGG[T>C]CTTTCCAACGCCCCTGCAGTGAACTAGATGCAGAGTGATAGTTGAGGCGGTCATGTTGCT-3'
Protein context (NP_001269460.1, residues 683-703): HLVHCRGVGK[Thr693Ala]QNGQDKTNAP

ClinVar aggregate classification (germline): Uncertain significance (1 of 4 stars; one submission).

Conditions:
ADNP-related multiple congenital anomalies - intellectual disability - autism spectrum disorder. Also called: Helsmoortel-Van der Aa Syndrome; ADNP-Related Helsmoortel-Van der Aa Syndrome. Identifiers: Orphanet 404448, MedGen C4014538, MONDO:0014379, OMIM 615873. Disease mechanism: loss of function.

Allele frequency attached by ClinVar (database versions not stated): gnomAD exomes below 0.00001.

Submission:

Victorian Clinical Genetics Services, Murdoch Childrens Research Institute
Classification: Uncertain significance for ADNP-related multiple congenital anomalies - intellectual disability - autism spectrum disorder. Last evaluated: 2022-09-02. Review status: criteria provided, single submitter. Criteria: ACMG Guidelines, 2015. Collection method: clinical testing. Allele origin: germline. Inheritance: Autosomal dominant inheritance. Affected: yes.
Comment: Based on the classification scheme VCGS_Germline_v1.3.4, this variant is classified as VUS-3C. Following criteria are met: 0102 - Loss of function is a known mechanism of disease in this gene and is associated with Helsmoortel-van der Aa syndrome (MIM#615873). (I) 0107 - This gene is associated with autosomal dominant disease. (I) 0115 - Variants in this gene are known to have variable expressivity (GeneReview). (I) 0200 - Variant is predicted to result in a missense amino acid change from threonine to alanine. (I) 0251 - This variant is heterozygous. (I) 0301 - Variant is absent from gnomAD (both v2 and v3). (SP) 0503 - Missense variant consistently predicted to be tolerated by multiple in silico tools or not conserved in placental mammals with a minor amino acid change. (SB) 0600 - Variant is located in the annotated ADNP_N domain (DECIPHER). (I) 0705 - No comparable missense variants have previous evidence for pathogenicity. (I) 0807 - This variant has no previous evidence of pathogenicity. (I) 0905 - No published segregation evidence has been identified for this variant. (I) 1007 - No published functional evidence has been identified for this variant. (I) 1208 - Inheritance information for this variant is not currently available in this individual. (I) Legend: (SP) - Supporting pathogenic, (I) - Information, (SB) - Supporting benign